The following is an entry in ClinVar:

NM_003072.5(SMARCA4):c.403C>G (p.Pro135Ala)

Gene: SMARCA4 (SWI/SNF related BAF chromatin remodeling complex subunit ATPase 4; plus strand). Cytogenetic location: 19p13.2.
Variant type: single nucleotide variant.
Coding change: c.403C>G on transcript NM_003072.5 (MANE Select); coding-DNA position 403, C replaced by G.
Protein change: p.Pro135Ala; replaces proline 135 with alanine.
Molecular consequence: missense variant. On other transcripts: non-coding transcript variant (1).
Genome position (GRCh38, 1-based): chr19:10,986,236, C>G. VCF-style: chr19-10986236-C-G. GRCh37 (hg19) VCF-style: chr19-11096912-C-G.
Other names: c.403C>G, p.Pro135Ala (NM_001128845.2, NM_001128846.2, NM_001128847.4 and 5 more transcripts); short protein forms P135A.
Identifiers: ClinVar variation 238447 (VCV000238447.39), dbSNP rs150949949, ClinGen allele CA9203498.

ClinVar aggregate classification (germline): Conflicting classifications of pathogenicity. Review status: criteria provided, conflicting classifications (1 of 4 stars). 11 submissions from 11 submitters: Uncertain significance (2); Benign (1); Likely benign (5). 3 of the submissions do not count toward it. Last evaluated 2026-07-06.

Conditions:
SMARCA4-related disorder. Also called: SMARCA4-related condition.
Hereditary cancer-predisposing syndrome. Also called: Hereditary Cancer Syndrome; Tumor predisposition; Hereditary neoplastic syndrome; Neoplastic Syndromes, Hereditary. Identifiers: Orphanet 140162, MedGen C0027672, MeSH D009386, MONDO:0015356.
Rhabdoid tumor predisposition syndrome 2 (RTPS2). Identifiers: Orphanet 231108, Orphanet 69077, MedGen C2750074, MONDO:0013224, OMIM 613325.
bilateral breast cancer. Identifiers: MedGen CN235586.

Allele frequency attached by ClinVar (database versions not stated): TOPMed 0.00012; gnomAD 0.00012; ESP Exome Variant Server 0.00023.
gnomAD v4.1: 231 of 1,613,856 alleles (0.014%); highest among the groups gnomAD compares: Middle Eastern, 0.13%; no homozygotes.

Submissions (11):

Myriad Genetics, Inc.
Classification: Likely benign for Rhabdoid tumor predisposition syndrome 2. Last evaluated: 2026-07-06. Review status: criteria provided, single submitter. Criteria: Myriad Autosomal Dominant, Autosomal Recessive and X-Linked Classification Criteria (2023). Collection method: clinical testing. Allele origin: unknown.
Comment: This variant is considered likely benign. This variant has been observed at a population frequency that is significantly greater than expected given the associated disease prevalence and penetrance.

Ambry Genetics
Classification: Likely benign for Hereditary cancer-predisposing syndrome. Last evaluated: 2026-06-16. Review status: criteria provided, single submitter. Criteria: Ambry Variant Classification Scheme 2023. Collection method: clinical testing. Allele origin: germline.

CeGaT Center for Human Genetics Tuebingen
Classification: Likely benign. Last evaluated: 2026-04-01. Review status: criteria provided, single submitter. Criteria: CeGaT Center For Human Genetics Tuebingen Variant Classification Criteria Version 2. Collection method: clinical testing. Allele origin: germline. Affected: yes. Observed: 2 variant alleles.
Comment: SMARCA4: BS2

Labcorp Genetics (formerly Invitae), Labcorp
Classification: Likely benign for Rhabdoid tumor predisposition syndrome 2. Last evaluated: 2026-01-21. Review status: criteria provided, single submitter. Criteria: Invitae Variant Classification Sherloc (09022015). Collection method: clinical testing. Allele origin: germline.

Quest Diagnostics Nichols Institute San Juan Capistrano
Classification: Uncertain significance. Last evaluated: 2025-07-08. Review status: criteria provided, single submitter. Criteria: Quest Diagnostics criteria. Collection method: clinical testing. Allele origin: unknown.
Comment: The SMARCA4 c.403C>G (p.Pro135Ala) variant has been reported in the published literature in individuals affected with breast cancer (PMID: 33558524 (2021)) and ovarian cancer (PMID: 37460928 (2023)). The frequency of this variant in the general population (Genome Aggregation Database) is higher than would generally be expected for pathogenic variants in this gene. Analysis of this variant using bioinformatics tools for the prediction of the effect of amino acid changes on protein structure and function yielded conflicting predictions that this variant is benign or damaging. Based on the available information, we are unable to determine the clinical significance of this variant.

Laboratory of Genetics, Children's Clinical University Hospital Latvia
Classification: Likely benign. Last evaluated: 2025-02-16. Review status: criteria provided, single submitter. Criteria: ACMG Guidelines, 2015. Collection method: clinical testing. Allele origin: germline. Affected: yes.

GeneDx
Classification: Uncertain significance. Last evaluated: 2022-03-14. Review status: criteria provided, single submitter. Criteria: GeneDx Variant Classification Process June 2021. Collection method: clinical testing. Allele origin: germline. Affected: yes.
Comment: In silico analysis supports that this missense variant does not alter protein structure/function; Has not been previously reported as pathogenic or benign in association with neurodevelopmental disorders to our knowledge; This variant is associated with the following publications: (PMID: 33558524)

Sema4
Classification: Benign for Hereditary cancer-predisposing syndrome. Last evaluated: 2020-12-29. Review status: criteria provided, single submitter. Criteria: Sema4 Curation Guidelines. Collection method: curation. Allele origin: germline.

PreventionGenetics, part of Exact Sciences
Classification: Likely benign for SMARCA4-related condition. Last evaluated: 2023-07-20. Review status: no assertion criteria provided. Collection method: clinical testing. Allele origin: germline. Not counted in ClinVar's aggregate classification.
Comment: This variant is classified as likely benign based on ACMG/AMP sequence variant interpretation guidelines (Richards et al. 2015 PMID: 25741868, with internal and published modifications).

Center of Medical Genetics and Primary Health Care
Classification: Uncertain significance for Bilateral breast cancer. Last evaluated: 2020-04-08. Review status: no assertion criteria provided. Collection method: research. Allele origin: germline. Affected: yes. Observed: 1 heterozygote. Not counted in ClinVar's aggregate classification.
Comment: BS2 Benign Strong: Observed in healthy adults: GnomAD exomes allele count = 48 > 5 threshold for dominant gene SMARCA4. BP4 Benign Supporting: 7 benign predictions from DANN, DEOGEN2, EIGEN, MVP, MutationAssessor, PrimateAI and REVEL vs 6 pathogenic predictions from FATHMM-MKL, M-CAP, MutationTaster, SIFT, PolyPhen-2, Align-GVGD and the position is not conserved. This variant has not been reported in the literature in individuals with SMARCA4-related disease. In summary, the available evidence is currently insufficient to determine the role of this variant in disease. Therefore, it has been classified as a Variant of Uncertain Significance.

Department of Pathology and Laboratory Medicine, Sinai Health System
Classification: Uncertain significance. Review status: no assertion criteria provided. Collection method: clinical testing. Allele origin: unknown. Affected: yes. Study: The Canadian Open Genetics Repository (COGR). Not counted in ClinVar's aggregate classification.
Comment: The SMARCA4 p.P135A variant was not identified in the literature nor was it identified in Cosmic or LOVD 3.0. The variant was identified in dbSNP (ID: rs150949949) and ClinVar (classified as uncertain significance by Invitae and Ambry Genetics). The variant was identified in control databases in 44 of 265648 chromosomes at a frequency of 0.0001656 (Genome Aggregation Database March 6, 2019, v2.1.1). The variant was observed in the following populations: Latino in 10 of 35086 chromosomes (freq: 0.000285), European (non-Finnish) in 28 of 115610 chromosomes (freq: 0.000242), South Asian in 3 of 30526 chromosomes (freq: 0.000098), European (Finnish) in 2 of 25092 chromosomes (freq: 0.00008) and African in 1 of 23562 chromosomes (freq: 0.000042), but was not observed in the Ashkenazi Jewish, East Asian or Other populations. The p.P135 residue is conserved in mammals and computational analyses (PolyPhen-2, SIFT, AlignGVGD, BLOSUM, MutationTaster) provide inconsistent predictions regarding the impact to the protein; this information is not very predictive of pathogenicity. The variant occurs outside of the splicing consensus sequence and in silico or computational prediction software programs (SpliceSiteFinder, MaxEntScan, NNSPLICE, GeneSplicer) do not predict a difference in splicing. In summary, based on the above information the clinical significance of this variant cannot be determined with certainty at this time. This variant is classified as a variant of uncertain significance.

Literature cited by the submitters: PubMed 37460928 (cited by Quest Diagnostics Nichols Institute San Juan Capistrano); PubMed 31874108 (cited by Quest Diagnostics Nichols Institute San Juan Capistrano); PubMed 33558524 (cited by Quest Diagnostics Nichols Institute San Juan Capistrano).